The following is an entry in ClinVar:

ClinVar aggregate classification (germline): Uncertain significance (1 of 4 stars; one submission).

Allele frequency attached by ClinVar (database versions not stated): ExAC 0.00001; gnomAD exomes 0.00001; gnomAD 0.00002; TOPMed 0.00004.

Submission:

Labcorp Genetics (formerly Invitae), Labcorp
Classification: Uncertain significance. Last evaluated: 2023-11-27. Review status: criteria provided, single submitter. Criteria: Invitae Variant Classification Sherloc (09022015). Collection method: clinical testing. Allele origin: germline.
Comment: This sequence change replaces proline, which is neutral and non-polar, with leucine, which is neutral and non-polar, at codon 223 of the NDUFS3 protein (p.Pro223Leu). This variant is present in population databases (rs758877811, gnomAD 0.005%). This missense change has been observed in individual(s) with clinical features of NDUFS3-related conditions (PMID: 19167255). Advanced modeling of protein sequence and biophysical properties (such as structural, functional, and spatial information, amino acid conservation, physicochemical variation, residue mobility, and thermodynamic stability) performed at Invitae indicates that this missense variant is expected to disrupt NDUFS3 protein function with a positive predictive value of 80%. In summary, the available evidence is currently insufficient to determine the role of this variant in disease. Therefore, it has been classified as a Variant of Uncertain Significance.

Literature cited by the submitters: PubMed 19167255.

NM_004551.3(NDUFS3):c.668C>T (p.Pro223Leu)

Gene: NDUFS3 (NADH:ubiquinone oxidoreductase core subunit S3; plus strand). Cytogenetic location: 11p11.2.
Variant type: single nucleotide variant.
Coding change: c.668C>T on transcript NM_004551.3 (MANE Select); coding-DNA position 668, C replaced by T.
Protein change: p.Pro223Leu; replaces proline 223 with leucine.
Molecular consequence: missense variant.
Genome position (GRCh38, 1-based): chr11:47,584,354, C>T. VCF-style: chr11-47584354-C-T. GRCh37 (hg19) VCF-style: chr11-47605906-C-T.
Other names: short protein forms P223L.
Identifiers: ClinVar variation 2735605 (VCV002735605.3), dbSNP rs758877811, ClinGen allele CA5978070.